The following is an entry in ClinVar:

NM_003482.4(KMT2D):c.7404G>A (p.Lys2468=)

Gene: KMT2D (lysine methyltransferase 2D; minus strand). Cytogenetic location: 12q13.12.
Variant type: single nucleotide variant.
Coding change: c.7404G>A on transcript NM_003482.4 (MANE Select); coding-DNA position 7404, G replaced by A.
Protein change: p.Lys2468=; no amino-acid change (lysine 2468 retained).
Molecular consequence: synonymous variant.
Genome position (GRCh38, 1-based): chr12:49,040,366, C>T on the plus strand (G>A on the coding strand, the complement: KMT2D is on the minus strand). VCF-style: chr12-49040366-C-T. GRCh37 (hg19) VCF-style: chr12-49434149-C-T.
Identifiers: ClinVar variation 2695271 (VCV002695271.4), dbSNP rs377409037, ClinGen allele CA6547072.
Genomic context (GRCh38, chr12:49,040,366, plus strand): 5'-CGAAGTGTGGGCTAGAGACCCAGCCTTAAAGGCAACTTCAGGGGGCTGGGGTCGGGGTGG[C>T]TTATGCAATGGGGCAAATGGGTCACGGGACTGAGGGCGTGAGGGTGGGCGAGAATAAGGG-3'
Protein context (NP_003473.3, residues 2458-2478): QSRDPFAPLH[Lys2468=]PPRPQPPEVA

ClinVar aggregate classification (germline): Benign/Likely benign. Review status: criteria provided, multiple submitters, no conflicts (2 of 4 stars). 2 submissions from 2 submitters: Benign (1); Likely benign (1). Last evaluated 2025-07-30.

Conditions:
KMT2D-related disorder. Also called: KMT2D-Related Disorders.
Kabuki syndrome. Also called: NIIKAWA-KUROKI SYNDROME; Kabuki make-up syndrome. Identifiers: Orphanet 2322, MedGen C0796004, MONDO:0016512.

Allele frequency attached by ClinVar (database versions not stated): gnomAD exomes below 0.00001; ExAC 0.00003; ESP Exome Variant Server 0.00008; 1000 Genomes Project 0.00020; 1000 Genomes Project 30x 0.00031.
gnomAD v4.1: 14 of 1,565,674 alleles (0.00089%); highest among the groups gnomAD compares: African/African-American, 0.016%; no homozygotes.

Submissions (2):

Labcorp Genetics (formerly Invitae), Labcorp
Classification: Benign for Kabuki syndrome. Last evaluated: 2025-07-30. Review status: criteria provided, single submitter. Criteria: Invitae Variant Classification Sherloc (09022015). Collection method: clinical testing. Allele origin: germline.

PreventionGenetics, part of Exact Sciences
Classification: Likely benign for KMT2D-related condition. Last evaluated: 2025-07-16. Review status: criteria provided, single submitter. Criteria: ACMG Guidelines, 2015. Collection method: clinical testing. Allele origin: germline.
Comment: This variant is classified as likely benign based on ACMG/AMP sequence variant interpretation guidelines (Richards et al. 2015 PMID: 25741868, with internal and published modifications).